The following is an entry in ClinVar:

ClinVar aggregate classification (germline): Uncertain significance. Review status: criteria provided, multiple submitters, no conflicts (2 of 4 stars). 3 submissions from 3 submitters: Uncertain significance (3). Last evaluated 2024-06-18.

Conditions:
Pierson syndrome. Also called: MICROCORIA-CONGENITAL NEPHROTIC SYNDROME. Identifiers: Orphanet 2670, MedGen C1836876, MONDO:0012184, OMIM 609049.
LAMB2-related infantile-onset nephrotic syndrome. Also called: NEPHROTIC SYNDROME, TYPE 5, WITHOUT OCULAR ABNORMALITIES; NEPHROTIC SYNDROME, TYPE 5, WITH OCULAR ABNORMALITIES; Nephrotic Syndrome, type 5. Identifiers: Orphanet 306507, MedGen C3280113, MONDO:0013621, OMIM 614199.
Inborn genetic diseases. Identifiers: MedGen C0950123, MeSH D030342.

Allele frequency attached by ClinVar (database versions not stated): ExAC 0.00009; TOPMed 0.00011; gnomAD 0.00012 and 0.00013; gnomAD exomes 0.00013 and 0.00023; ESP Exome Variant Server 0.00023.
gnomAD v4.1: 349 of 1,613,932 alleles (0.022%); highest among the groups gnomAD compares: Non-Finnish European, 0.029%; no homozygotes.

Submissions (5):

Fulgent Genetics
Classification: Uncertain significance for Pierson syndrome; LAMB2-related infantile-onset nephrotic syndrome. Last evaluated: 2024-06-18. Review status: criteria provided, single submitter. Criteria: ACMG Guidelines, 2015. Collection method: clinical testing. Allele origin: germline.

Ambry Genetics
Classification: Uncertain significance for Inborn genetic diseases. Last evaluated: 2022-08-11. Review status: criteria provided, single submitter. Criteria: Ambry Variant Classification Scheme 2023. Collection method: clinical testing. Allele origin: germline.

Labcorp Genetics (formerly Invitae), Labcorp
Classification: Uncertain significance for LAMB2-related infantile-onset nephrotic syndrome; Pierson syndrome. Last evaluated: 2022-08-06. Review status: criteria provided, single submitter. Criteria: Invitae Variant Classification Sherloc (09022015). Collection method: clinical testing. Allele origin: germline.
Comment: In summary, the available evidence is currently insufficient to determine the role of this variant in disease. Therefore, it has been classified as a Variant of Uncertain Significance. Algorithms developed to predict the effect of sequence changes on RNA splicing suggest that this variant may create or strengthen a splice site. Algorithms developed to predict the effect of missense changes on protein structure and function are either unavailable or do not agree on the potential impact of this missense change (SIFT: "Deleterious"; PolyPhen-2: "Benign"; Align-GVGD: "Class C25"). ClinVar contains an entry for this variant (Variation ID: 472486). This variant has not been reported in the literature in individuals affected with LAMB2-related conditions. This variant is present in population databases (rs148069401, gnomAD 0.02%). This sequence change replaces lysine, which is basic and polar, with arginine, which is basic and polar, at codon 1520 of the LAMB2 protein (p.Lys1520Arg).

Dr. Peter K. Rogan Lab, Western University
No classification provided (evidence only). Condition: Malignant tumor of esophagus. Review status: no classification provided. Collection method: in vitro. Allele origin: not applicable. Functional consequence: retained intron. Not counted in ClinVar's aggregate classification.

Dr. Peter K. Rogan Lab, Western University
No classification provided (evidence only). Condition: Lymphoma. Review status: no classification provided. Collection method: in vitro. Allele origin: not applicable. Functional consequence: cryptic splice site, retained intron. Not counted in ClinVar's aggregate classification.

NM_002292.4(LAMB2):c.4559A>G (p.Lys1520Arg)

Gene: LAMB2 (laminin subunit beta 2; minus strand). Cytogenetic location: 3p21.31.
Variant type: single nucleotide variant.
Coding change: c.4559A>G on transcript NM_002292.4 (MANE Select); coding-DNA position 4559, A replaced by G.
Protein change: p.Lys1520Arg; replaces lysine 1520 with arginine.
Molecular consequence: missense variant.
Genome position (GRCh38, 1-based): chr3:49,122,718, T>C on the plus strand (A>G on the coding strand, the complement: LAMB2 is on the minus strand). VCF-style: chr3-49122718-T-C. GRCh37 (hg19) VCF-style: chr3-49160151-T-C.
Other names: short protein forms K1520R.
Identifiers: ClinVar variation 472486 (VCV000472486.8), dbSNP rs148069401, ClinGen allele CA2393774.